The following is an entry in ClinVar:

ClinVar aggregate classification (germline): Uncertain significance (1 of 4 stars; one submission).

Submission:

GeneDx
Classification: Uncertain significance. Last evaluated: 2020-03-07. Review status: criteria provided, single submitter. Criteria: GeneDx Variant Classification Process June 2021. Collection method: clinical testing. Allele origin: germline. Affected: yes.
Comment: Not observed in large population cohorts (Lek et al., 2016); In silico analysis supports that this missense variant has a deleterious effect on protein structure/function; Has not been previously published as pathogenic or benign to our knowledge

NM_021098.3(CACNA1H):c.3454C>G (p.Pro1152Ala)

Gene: CACNA1H (calcium voltage-gated channel subunit alpha1 H; plus strand). Cytogenetic location: 16p13.3.
Variant type: single nucleotide variant.
Coding change: c.3454C>G on transcript NM_021098.3 (MANE Select); coding-DNA position 3454, C replaced by G.
Protein change: p.Pro1152Ala; replaces proline 1152 with alanine.
Molecular consequence: missense variant.
Genome position (GRCh38, 1-based): chr16:1,209,122, C>G. VCF-style: chr16-1209122-C-G. GRCh37 (hg19) VCF-style: chr16-1259122-C-G.
Other names: c.3454C>G, p.Pro1152Ala (NM_001005407.2); short protein forms P1152A.
Identifiers: ClinVar variation 1316093 (VCV001316093.2), dbSNP rs2141326397, ClinGen allele CA394173557.